The following is an entry in ClinVar:

NM_001098506.4(CEACAM21):c.849C>T (p.Pro283=)

Gene: CEACAM21 (CEA cell adhesion molecule 21). Cytogenetic location: 19q13.2.
Variant type: single nucleotide variant.
Coding change: c.849C>T on transcript NM_001098506.4 (MANE Select); coding-DNA position 849, C replaced by T.
Protein change: p.Pro283=; no amino-acid change (proline 283 retained).
Molecular consequence: synonymous variant.
Genome position (GRCh38, 1-based): chr19:41,585,494, C>T. VCF-style: chr19-41585494-C-T. GRCh37 (hg19) VCF-style: chr19-42091847-C-T.
Other names: c.465C>T, p.Pro155= (NM_001288773.3); c.462C>T, p.Pro154= (NM_001290113.2); c.846C>T, p.Pro282= (NM_033543.6).
Identifiers: ClinVar variation 2649927 (VCV002649927.24), dbSNP rs202052341, ClinGen allele CA9462581.

ClinVar aggregate classification (germline): Likely benign (1 of 4 stars; one submission).

Allele frequency attached by ClinVar (database versions not stated): TOPMed 0.00001; gnomAD 0.00003; ExAC 0.00005; ESP Exome Variant Server 0.00008.
gnomAD v4.1: 46 of 1,613,744 alleles (0.0029%); highest among the groups gnomAD compares: Non-Finnish European, 0.0036%; no homozygotes.

Submission:

CeGaT Center for Human Genetics Tuebingen
Classification: Likely benign. Last evaluated: 2022-05-01. Review status: criteria provided, single submitter. Criteria: CeGaT Center For Human Genetics Tuebingen Variant Classification Criteria Version 2. Collection method: clinical testing. Allele origin: germline. Affected: yes. Observed: 1 variant allele.
Comment: CEACAM21: BP4, BP7